The following is an entry in ClinVar:

ClinVar aggregate classification (germline): Uncertain significance (1 of 4 stars; one submission).

Submission:

Ambry Genetics
Classification: Uncertain significance. Last evaluated: 2022-10-27. Review status: criteria provided, single submitter. Criteria: Ambry Variant Classification Scheme 2023. Collection method: clinical testing. Allele origin: germline.
Comment: The p.S564R variant (also known as c.1692C>A), located in coding exon 16 of the RAD54L gene, results from a C to A substitution at nucleotide position 1692. The serine at codon 564 is replaced by arginine, an amino acid with dissimilar properties. This amino acid position is conserved. In addition, this alteration is predicted to be tolerated by in silico analysis. Since supporting evidence is limited at this time, the clinical significance of this alteration remains unclear.

NM_003579.4(RAD54L):c.1692C>A (p.Ser564Arg)

Gene: RAD54L (RAD54 like; plus strand). Cytogenetic location: 1p34.1.
Variant type: single nucleotide variant.
Coding change: c.1692C>A on transcript NM_003579.4 (MANE Select); coding-DNA position 1692, C replaced by A.
Protein change: p.Ser564Arg; replaces serine 564 with arginine.
Molecular consequence: missense variant.
Genome position (GRCh38, 1-based): chr1:46,274,540, C>A. VCF-style: chr1-46274540-C-A. GRCh37 (hg19) VCF-style: chr1-46740212-C-A.
Other names: c.1692C>A, p.Ser564Arg (NM_001142548.2); c.1152C>A, p.Ser384Arg (NM_001370766.1); short protein forms S564R, S384R.
Identifiers: ClinVar variation 1778152 (VCV001778152.2), dbSNP rs2525718011, ClinGen allele CA340183973.
Genomic context (GRCh38, chr1:46,274,540, plus strand): 5'-GCAGGATCCCAGTTTAGGCTATAAGAGGTTCCTTTTCTCCTGTTTCTTCTCTTTCCAGAG[C>A]CCTGACTTTGTCTTCATGCTGAGCAGCAAAGCTGGGGGCTGTGGCCTCAATCTCATTGGG-3'
Protein context (NP_003570.2, residues 554-574): KVVERFNSPS[Ser564Arg]PDFVFMLSSK